The following is an entry in ClinVar:

ClinVar aggregate classification (germline): Uncertain significance (1 of 4 stars; one submission).

Submission:

GeneDx
Classification: Uncertain significance. Last evaluated: 2021-04-27. Review status: criteria provided, single submitter. Criteria: GeneDx Variant Classification Process June 2021. Collection method: clinical testing. Allele origin: germline. Affected: yes.
Comment: Not observed in large population cohorts (Lek et al., 2016); In silico analysis supports that this missense variant has a deleterious effect on protein structure/function; Has not been previously published as pathogenic or benign to our knowledge

NM_001375524.1(TRRAP):c.2305G>A (p.Gly769Arg)

Gene: TRRAP (transformation/transcription domain associated protein; plus strand). Cytogenetic location: 7q22.1.
Variant type: single nucleotide variant.
Coding change: c.2305G>A on transcript NM_001375524.1 (MANE Select); coding-DNA position 2305, G replaced by A.
Protein change: p.Gly769Arg; replaces glycine 769 with arginine.
Molecular consequence: missense variant.
Genome position (GRCh38, 1-based): chr7:98,915,828, G>A. VCF-style: chr7-98915828-G-A. GRCh37 (hg19) VCF-style: chr7-98513451-G-A.
Other names: c.2305G>A, p.Gly769Arg (NM_001244580.2, NM_003496.4); short protein forms G769R.
Identifiers: ClinVar variation 1314875 (VCV001314875.2), dbSNP rs2116438000, ClinGen allele CA368290823.